The following is an entry in ClinVar:

ClinVar aggregate classification (germline): Likely benign. Review status: criteria provided, multiple submitters, no conflicts (2 of 4 stars). 2 submissions from 2 submitters: Likely benign (2). Last evaluated 2024-10-19.

Conditions:
Majeed syndrome (MJDS). Also called: CHRONIC RECURRENT MULTIFOCAL OSTEOMYELITIS 1, WITH CONGENITAL DYSERYTHROPOIETIC ANEMIA, WITH OR WITHOUT NEUTROPHILIC DERMATOSIS; LPIN2-Related Majeed Syndrome. Identifiers: Orphanet 77297, MedGen C1864997, MONDO:0012316, OMIM 609628.

Allele frequency attached by ClinVar (database versions not stated): TOPMed 0.00001.
gnomAD v4.1: 6 of 1,610,688 alleles (0.00037%); highest among the groups gnomAD compares: Admixed American, 0.0033%; no homozygotes.

Submissions (2):

Labcorp Genetics (formerly Invitae), Labcorp
Classification: Likely benign for Majeed syndrome. Last evaluated: 2024-10-19. Review status: criteria provided, single submitter. Criteria: Invitae Variant Classification Sherloc (09022015). Collection method: clinical testing. Allele origin: germline.

GeneDx
Classification: Likely benign. Last evaluated: 2017-09-28. Review status: criteria provided, single submitter. Criteria: GeneDx Variant Classification (06012015). Collection method: clinical testing. Allele origin: germline. Affected: yes.
Comment: This variant is considered likely benign or benign based on one or more of the following criteria: it is a conservative change, it occurs at a poorly conserved position in the protein, it is predicted to be benign by multiple in silico algorithms, and/or has population frequency not consistent with disease.

NM_001375808.2(LPIN2):c.2327+9C>T

Gene: LPIN2 (lipin 2; minus strand). Cytogenetic location: 18p11.31.
Variant type: single nucleotide variant.
Coding change: c.2327+9C>T on transcript NM_001375808.2 (MANE Select); 9 bases into the intron after coding-DNA position 2327, C replaced by T.
Molecular consequence: intron variant.
Genome position (GRCh38, 1-based): chr18:2,922,038, G>A on the plus strand (C>T on the coding strand, the complement: LPIN2 is on the minus strand). VCF-style: chr18-2922038-G-A. GRCh37 (hg19) VCF-style: chr18-2922036-G-A.
Other names: c.2327+9C>T (NM_014646.2, NM_001375809.1).
Identifiers: ClinVar variation 512397 (VCV000512397.10), dbSNP rs536913334, ClinGen allele CA628482881.
Genomic context (GRCh38, chr18:2,922,038, plus strand): 5'-CCCCACCTTGGGCCCAGCCCCGCCCACATGCTGGGGCGGTGGGCAGAGGGCTGCCTGCCG[G>A]AGAGGTACCTGTGGAAGGCGGAGAACAAGCTGCTGGGGGACAGCATCAGGGGGCCCCGGG-3'